The following is an entry in ClinVar:

ClinVar aggregate classification (germline): Uncertain significance (1 of 4 stars; one submission).

Conditions:
Autosomal dominant limb-girdle muscular dystrophy type 1F (LGMDD2). Also called: Limb-girdle muscular dystrophy, type 1F; MUSCULAR DYSTROPHY, LIMB-GIRDLE, AUTOSOMAL DOMINANT 2. Identifiers: Orphanet 55595, MedGen C1842062, MONDO:0012034, OMIM 608423.

Submission:

Labcorp Genetics (formerly Invitae), Labcorp
Classification: Uncertain significance for Autosomal dominant limb-girdle muscular dystrophy type 1F. Last evaluated: 2024-10-24. Review status: criteria provided, single submitter. Criteria: Invitae Variant Classification Sherloc (09022015). Collection method: clinical testing. Allele origin: germline.
Comment: This sequence change replaces asparagine, which is neutral and polar, with threonine, which is neutral and polar, at codon 495 of the TNPO3 protein (p.Asn495Thr). This variant is not present in population databases (gnomAD no frequency). This variant has not been reported in the literature in individuals affected with TNPO3-related conditions. ClinVar contains an entry for this variant (Variation ID: 1721611). Invitae Evidence Modeling of protein sequence and biophysical properties (such as structural, functional, and spatial information, amino acid conservation, physicochemical variation, residue mobility, and thermodynamic stability) indicates that this missense variant is not expected to disrupt TNPO3 protein function with a negative predictive value of 80%. In summary, the available evidence is currently insufficient to determine the role of this variant in disease. Therefore, it has been classified as a Variant of Uncertain Significance.

NM_012470.4(TNPO3):c.1484A>C (p.Asn495Thr)

Gene: TNPO3 (transportin 3; minus strand). Cytogenetic location: 7q32.1.
Variant type: single nucleotide variant.
Coding change: c.1484A>C on transcript NM_012470.4 (MANE Select); coding-DNA position 1484, A replaced by C.
Protein change: p.Asn495Thr; replaces asparagine 495 with threonine.
Molecular consequence: missense variant. On other transcripts: non-coding transcript variant (18).
Genome position (GRCh38, 1-based): chr7:128,989,975, T>G on the plus strand (A>C on the coding strand, the complement: TNPO3 is on the minus strand). VCF-style: chr7-128989975-T-G. GRCh37 (hg19) VCF-style: chr7-128630029-T-G.
Other names: c.1484A>C, p.Asn495Thr (NM_001191028.3, NM_001382218.1, NM_001382220.1 and 1 more transcripts); c.1586A>C, p.Asn529Thr (NM_001382216.1); c.1565A>C, p.Asn522Thr (NM_001382217.1); c.1376A>C, p.Asn459Thr (NM_001382219.1); c.1340A>C, p.Asn447Thr (NM_001382221.1); c.1337A>C, p.Asn446Thr (NM_001382222.1); short protein forms N446T, N447T, N459T, N495T, N522T, N529T.
Identifiers: ClinVar variation 1721611 (VCV001721611.6), dbSNP rs2536132609, ClinGen allele CA369227747.
Genomic context (GRCh38, chr7:128,989,975, plus strand): 5'-GAAAAATGACAAGTTAGAAGTGGCAGAGGAGAGAGATTACACATACCAAGGAACTGAGGA[T>G]TTCGATCAACGACTTCACTCATCTCTCCAACCAATTCAATGCTGGTGTATCGCACAGCCG-3'
Protein context (NP_036602.1, residues 485-505): VGEMSEVVDR[Asn495Thr]PQFLDPVLGY